The following is an entry in ClinVar:

NM_000443.4(ABCB4):c.2132T>C (p.Phe711Ser)

Gene: ABCB4 (ATP binding cassette subfamily B member 4; minus strand). Cytogenetic location: 7q21.12.
Variant type: single nucleotide variant.
Coding change: c.2132T>C on transcript NM_000443.4 (MANE Select); coding-DNA position 2132, T replaced by C.
Protein change: p.Phe711Ser; replaces phenylalanine 711 with serine.
Molecular consequence: missense variant.
Genome position (GRCh38, 1-based): chr7:87,423,985, A>G on the plus strand (T>C on the coding strand, the complement: ABCB4 is on the minus strand). VCF-style: chr7-87423985-A-G. GRCh37 (hg19) VCF-style: chr7-87053301-A-G.
Other names: c.2132T>C, p.Phe711Ser (NM_018849.3, NM_018850.3); short protein forms F711S.
Identifiers: ClinVar variation 4846450 (VCV004846450.1).
Genomic context (GRCh38, chr7:87,423,985, plus strand): 5'-ATGACTGAAAATGCCGGCTGAAGCCCCCCATTGGCAATGGCACATACTGTTCCCACGACA[A>G]AGTAGGGCCATTCTGTTTTATTCAGTTTCAGGACCTTCAGAAAGGACACTGGTGGCACAT-3'
Protein context (NP_000434.1, residues 701-721): LKLNKTEWPY[Phe711Ser]VVGTVCAIAN

ClinVar aggregate classification (germline): Uncertain significance (1 of 4 stars; one submission).

Conditions:
Familial intrahepatic cholestasis. Identifiers: Orphanet 284385, MedGen CN296401, MONDO:0017290.

Submission:

Genomenon, Inc
Classification: Uncertain significance for Familial intrahepatic cholestasis. Last evaluated: 2026-04-14. Review status: criteria provided, single submitter. Criteria: Genomenon Sequence Variant Interpretation Standards - Updated. Collection method: curation. Allele origin: germline. Affected: yes.
Comment: ABCB4 p.Phe711Ser (c.2132T>C) is a missense variant that changes the amino acid at residue 711 from Phenylalanine to Serine. This variant has been observed in at least one proband with an ABCB4-related disorder (PMID:11313315;37701337). It is absent or not present at a significant frequency in gnomAD. In silico models predict that this variant is possibly or probably damaging. In conclusion, we classify ABCB4 p.Phe711Ser (c.2132T>C) as a variant of uncertain significance.

Literature cited by the submitters: PubMed 11313315; PubMed 37701337.